The following is an entry in ClinVar:

ClinVar aggregate classification (germline): Likely benign. Review status: criteria provided, multiple submitters, no conflicts (2 of 4 stars). 2 submissions from 2 submitters: Likely benign (2). Last evaluated 2025-01-16.

gnomAD v4.1: 35 of 1,614,114 alleles (0.0022%); highest among the groups gnomAD compares: South Asian, 0.0055%; no homozygotes.

Submissions (2):

Mayo Clinic Laboratories, Mayo Clinic
Classification: Likely benign. Last evaluated: 2025-01-16. Review status: criteria provided, single submitter. Criteria: ACMG Guidelines, 2015. Collection method: clinical testing. Allele origin: germline. Observed: 2 variant alleles.
Comment: BP4, BP7

Blueprint Genetics
Classification: Likely benign. Last evaluated: 2024-02-09. Review status: criteria provided, single submitter. Criteria: ACMG Guidelines, 2015. Collection method: clinical testing. Allele origin: germline.

NM_000552.5(VWF):c.2598G>A (p.Thr866=)

Gene: VWF (von Willebrand factor; minus strand). Cytogenetic location: 12p13.31.
Variant type: single nucleotide variant.
Coding change: c.2598G>A on transcript NM_000552.5 (MANE Select); coding-DNA position 2598, G replaced by A.
Protein change: p.Thr866=; no amino-acid change (threonine 866 retained).
Molecular consequence: synonymous variant.
Genome position (GRCh38, 1-based): chr12:6,034,775, C>T on the plus strand (G>A on the coding strand, the complement: VWF is on the minus strand). VCF-style: chr12-6034775-C-T. GRCh37 (hg19) VCF-style: chr12-6143941-C-T.
Other names: p.Thr866=.
Identifiers: ClinVar variation 4683707 (VCV004683707.2).